The following is an entry in ClinVar:

NM_005732.4(RAD50):c.14A>G (p.Glu5Gly)

Gene: RAD50 (RAD50 double strand break repair protein; plus strand). Cytogenetic location: 5q31.1.
Variant type: single nucleotide variant.
Coding change: c.14A>G on transcript NM_005732.4 (MANE Select); coding-DNA position 14, A replaced by G.
Protein change: p.Glu5Gly; replaces glutamic acid 5 with glycine.
Molecular consequence: missense variant.
Genome position (GRCh38, 1-based): chr5:132,557,338, A>G. VCF-style: chr5-132557338-A-G. GRCh37 (hg19) VCF-style: chr5-131893030-A-G.
Other names: short protein forms E5G.
Identifiers: ClinVar variation 837967 (VCV000837967.10), dbSNP rs1750018807, ClinGen allele CA360950766.

ClinVar aggregate classification (germline): Uncertain significance (1 of 4 stars; one submission).

Conditions:
Hereditary cancer-predisposing syndrome. Also called: Neoplastic Syndromes, Hereditary; Tumor predisposition; Hereditary neoplastic syndrome; Hereditary Cancer Syndrome. Identifiers: Orphanet 140162, MedGen C0027672, MeSH D009386, MONDO:0015356.

Allele frequency attached by ClinVar (database versions not stated): gnomAD exomes below 0.00001.
gnomAD v4.1: 2 of 1,614,196 alleles (0.00012%); highest among the groups gnomAD compares: Non-Finnish European, 0.00017%; no homozygotes.

Submission:

Labcorp Genetics (formerly Invitae), Labcorp
Classification: Uncertain significance for Hereditary cancer-predisposing syndrome. Last evaluated: 2019-03-20. Review status: criteria provided, single submitter. Criteria: Invitae Variant Classification Sherloc (09022015). Collection method: clinical testing. Allele origin: germline.
Comment: In summary, the available evidence is currently insufficient to determine the role of this variant in disease. Therefore, it has been classified as a Variant of Uncertain Significance. Algorithms developed to predict the effect of missense changes on protein structure and function (SIFT, PolyPhen-2, Align-GVGD) all suggest that this variant is likely to be tolerated, but these predictions have not been confirmed by published functional studies and their clinical significance is uncertain. This variant has not been reported in the literature in individuals with RAD50-related conditions. This variant is not present in population databases (ExAC no frequency). This sequence change replaces glutamic acid with glycine at codon 5 of the RAD50 protein (p.Glu5Gly). The glutamic acid residue is moderately conserved and there is a moderate physicochemical difference between glutamic acid and glycine.